The following is an entry in ClinVar:

NM_014855.3(AP5Z1):c.1762G>A (p.Asp588Asn)

Gene: AP5Z1 (adaptor related protein complex 5 subunit zeta 1; plus strand). Cytogenetic location: 7p22.1.
Variant type: single nucleotide variant.
Coding change: c.1762G>A on transcript NM_014855.3 (MANE Select); coding-DNA position 1762, G replaced by A.
Protein change: p.Asp588Asn; replaces aspartic acid 588 with asparagine.
Molecular consequence: missense variant. On other transcripts: non-coding transcript variant (1).
Genome position (GRCh38, 1-based): chr7:4,789,886, G>A. VCF-style: chr7-4789886-G-A. GRCh37 (hg19) VCF-style: chr7-4829517-G-A.
Other names: c.1762G>A (NM_014855.2); c.1294G>A, p.Asp432Asn (NM_001364858.1); short protein forms D432N, D588N.
Identifiers: ClinVar variation 1477512 (VCV001477512.7), dbSNP rs777150652, ClinGen allele CA153032486.

ClinVar aggregate classification (germline): Uncertain significance. Review status: criteria provided, multiple submitters, no conflicts (2 of 4 stars). 2 submissions from 2 submitters: Uncertain significance (2). Last evaluated 2021-08-28.

Conditions:
Inborn genetic diseases. Identifiers: MedGen C0950123, MeSH D030342.
Hereditary spastic paraplegia 48. Also called: Spastic paraplegia 48; SPASTIC PARAPLEGIA 48, AUTOSOMAL RECESSIVE. Identifiers: Orphanet 306511, MedGen C3150901, MONDO:0013342, OMIM 613647.

Allele frequency attached by ClinVar (database versions not stated): gnomAD exomes 0.00001; gnomAD 0.00002.

Submissions (2):

Labcorp Genetics (formerly Invitae), Labcorp
Classification: Uncertain significance for Hereditary spastic paraplegia 48. Last evaluated: 2021-08-28. Review status: criteria provided, single submitter. Criteria: Invitae Variant Classification Sherloc (09022015). Collection method: clinical testing. Allele origin: germline.
Comment: This sequence change replaces aspartic acid with asparagine at codon 588 of the AP5Z1 protein (p.Asp588Asn). The aspartic acid residue is moderately conserved and there is a small physicochemical difference between aspartic acid and asparagine. This variant is not present in population databases (ExAC no frequency). This variant has not been reported in the literature in individuals affected with AP5Z1-related conditions. Algorithms developed to predict the effect of missense changes on protein structure and function output the following: SIFT: "Tolerated"; PolyPhen-2: "Benign"; Align-GVGD: "Class C0". The asparagine amino acid residue is found in multiple mammalian species, which suggests that this missense change does not adversely affect protein function. In summary, the available evidence is currently insufficient to determine the role of this variant in disease. Therefore, it has been classified as a Variant of Uncertain Significance.

Ambry Genetics
Classification: Uncertain significance for Inborn genetic diseases. Last evaluated: 2021-07-06. Review status: criteria provided, single submitter. Criteria: Ambry Variant Classification Scheme 2023. Collection method: clinical testing. Allele origin: germline.